The following is an entry in ClinVar:

NM_000051.4(ATM):c.5340del (p.Phe1780fs)

Gene: ATM (ATM serine/threonine kinase; plus strand). Cytogenetic location: 11q22.3.
Variant type: Deletion.
Coding change: c.5340del on transcript NM_000051.4 (MANE Select); coding-DNA position 5340, one base deleted (T; older notation c.5340delT).
Protein change: p.Phe1780fs; shifts the reading frame from phenylalanine 1780.
Molecular consequence: frameshift variant.
Genome position (GRCh38, 1-based): chr11:108,302,873, T deleted; the last of 3 consecutive T bases (chr11:108,302,871-108,302,873); deleting any one gives the same sequence. VCF-style (leftmost placement, unchanged base first): chr11-108302870-AT-A. GRCh37 (hg19) VCF-style: chr11-108173597-AT-A.
Other names: c.5340del, p.Phe1780fs (NM_001351834.2); short protein forms F1780fs.
Identifiers: ClinVar variation 2453941 (VCV002453941.2), dbSNP rs2546978980, ClinGen allele CA2580083109.
Genomic context (GRCh38, chr11:108,302,870, plus strand): 5'-TTCCACTTCTCTTATTTACATTTTCTAATCCCTTTCTTTCTAGTTTTTAGAAGTACCCAG[AT>A]TTGACAAAGAAAACCCTTTTGAAGGCCTGGATGATATAAATCTGTGGATTCCTCTAAGTG-3'

ClinVar aggregate classification (germline): Pathogenic (1 of 4 stars; one submission).

Conditions:
Hereditary cancer-predisposing syndrome. Also called: Neoplastic Syndromes, Hereditary; Hereditary neoplastic syndrome; Tumor predisposition; Hereditary Cancer Syndrome. Identifiers: Orphanet 140162, MedGen C0027672, MeSH D009386, MONDO:0015356.

Submission:

Ambry Genetics
Classification: Pathogenic for Hereditary cancer-predisposing syndrome. Last evaluated: 2022-12-30. Review status: criteria provided, single submitter. Criteria: Ambry Variant Classification Scheme 2023. Collection method: clinical testing. Allele origin: germline.
Comment: The c.5340delT variant, located in coding exon 35 of the ATM gene, results from a deletion of one nucleotide at nucleotide position 5340, causing a translational frameshift with a predicted alternate stop codon (p.F1780Lfs*13). This variant is considered to be rare based on population cohorts in the Genome Aggregation Database (gnomAD). This alteration is expected to result in loss of function by premature protein truncation or nonsense-mediated mRNA decay. As such, this alteration is interpreted as a disease-causing mutation.